The following is an entry in ClinVar:

ClinVar aggregate classification (germline): Pathogenic. Review status: criteria provided, multiple submitters, no conflicts (2 of 4 stars). 2 submissions from 2 submitters: Pathogenic (2). Last evaluated 2022-02-04.

Conditions:
Deafness-infertility syndrome. Also called: Deafness and male infertility. Identifiers: Orphanet 94064, MedGen C1970187, MONDO:0012621, OMIM 611102.
Rare genetic deafness. Identifiers: Orphanet 96210, MedGen C5680250.

Submissions (2):

Pittsburgh Clinical Genomics Laboratory, University of Pittsburgh Medical Center
Classification: Pathogenic for Deafness-infertility syndrome. Last evaluated: 2022-02-04. Review status: criteria provided, single submitter. Criteria: ACMG Guidelines, 2015. Collection method: clinical testing. Allele origin: germline. Inheritance: Autosomal recessive inheritance. Affected: yes.
Comment: This sequence variant is a single nucleotide deletion (delC) that results in an early termition codon 30 amino acids downstream of the frameshift at Pro154. This variant is predicted to generate a non-functiol allele through either the expression of a truncated protein or a loss of STRC expression due to nonsense mediated decay. This is a previously reported variant (ClinVar) that has not been observed in the published literature in individuals with STRC-related disease, to our knowledge. Because loss of function is a known mechanism of disease for STRC, we consider this variant to be pathogenic. ACMG Criteria: PM2, PM3, PVS1

Laboratory for Molecular Medicine, Mass General Brigham Personalized Medicine
Classification: Pathogenic for Rare genetic deafness. Last evaluated: 2020-12-15. Review status: criteria provided, single submitter. Criteria: LMM Criteria. Collection method: clinical testing. Allele origin: germline. Inheritance: Autosomal recessive inheritance. Observed: 1 variant allele.
Comment: This variant has been identified in 0.006% (2/35440) of Latino chromosomes by gnomAD, though the variant did not pass quality filters and therefore this may not accurately represent the allele frequency in the general population, which may be due to the high homology of the STRC gene with a nonfunctional pseudogene. This variant is predicted to cause a frameshift, which alters the proteinâ€™s amino acid sequence beginning at position 154 and leads to a premature termination codon 30 amino acids downstream. This alteration is then predicted to lead to a truncated or absent protein. Loss of function of the STRC gene is an established disease mechanism in autosomal recessive sensorineural hearing loss. In summary, this variant meets criteria to be classified as pathogenic for autosomal recessive sensorineural hearing loss. ACMG/AMP Criteria applied: PVS1, PM3, PM2_Supporting.

NM_153700.2(STRC):c.461del (p.Pro154fs)

Gene: STRC (stereocilin; minus strand). Cytogenetic location: 15q15.3.
Variant type: Deletion.
Coding change: c.461del on transcript NM_153700.2 (MANE Select); coding-DNA position 461, one base deleted (C; older notation c.461delC).
Protein change: p.Pro154fs; shifts the reading frame from proline 154.
Molecular consequence: frameshift variant.
Genome position (GRCh38, 1-based): chr15:43,617,960, G deleted on the plus strand (C on the coding strand, the reverse complement: STRC is on the minus strand); the first of 6 consecutive G bases (chr15:43,617,960-43,617,965); deleting any one gives the same sequence. VCF-style (leftmost placement, unchanged base first): chr15-43617959-AG-A. GRCh37 (hg19) VCF-style: chr15-43910157-AG-A.
Other names: short protein forms P154fs.
Identifiers: ClinVar variation 1120087 (VCV001120087.5), dbSNP rs1411667337, ClinGen allele CA618004267.